The following is an entry in ClinVar:

ClinVar aggregate classification (germline): Uncertain significance (1 of 4 stars; one submission).

Conditions:
Hereditary cancer-predisposing syndrome. Also called: Neoplastic Syndromes, Hereditary; Tumor predisposition; Hereditary Cancer Syndrome; Hereditary neoplastic syndrome. Identifiers: Orphanet 140162, MedGen C0027672, MeSH D009386, MONDO:0015356.

Submission:

Ambry Genetics
Classification: Uncertain significance for Hereditary cancer-predisposing syndrome. Last evaluated: 2020-07-13. Review status: criteria provided, single submitter. Criteria: Ambry Variant Classification Scheme 2023. Collection method: clinical testing. Allele origin: germline.
Comment: The p.S624P variant (also known as c.1870T>C), located in coding exon 12 of the BRIP1 gene, results from a T to C substitution at nucleotide position 1870. The serine at codon 624 is replaced by proline, an amino acid with similar properties. This amino acid position is highly conserved in available vertebrate species. In addition, the in silico prediction for this alteration is inconclusive. Since supporting evidence is limited at this time, the clinical significance of this alteration remains unclear.

NM_032043.3(BRIP1):c.1870T>C (p.Ser624Pro)

Gene: BRIP1 (BRCA1 interacting DNA helicase 1; minus strand). Cytogenetic location: 17q23.2.
Variant type: single nucleotide variant.
Coding change: c.1870T>C on transcript NM_032043.3 (MANE Select); coding-DNA position 1870, T replaced by C.
Protein change: p.Ser624Pro; replaces serine 624 with proline.
Molecular consequence: missense variant.
Genome position (GRCh38, 1-based): chr17:61,780,326, A>G on the plus strand (T>C on the coding strand, the complement: BRIP1 is on the minus strand). VCF-style: chr17-61780326-A-G. GRCh37 (hg19) VCF-style: chr17-59857687-A-G.
Other names: short protein forms S624P.
Identifiers: ClinVar variation 1781689 (VCV001781689.2), dbSNP rs2545019249, ClinGen allele CA400480071.